The following is an entry in ClinVar:

NM_000059.4(BRCA2):c.1243C>G (p.His415Asp)

Gene: BRCA2 (BRCA2 DNA repair associated; plus strand). Cytogenetic location: 13q13.1.
Variant type: single nucleotide variant.
Coding change: c.1243C>G on transcript NM_000059.4 (MANE Select); coding-DNA position 1243, C replaced by G.
Protein change: p.His415Asp; replaces histidine 415 with aspartic acid.
Molecular consequence: missense variant. On other transcripts: non-coding transcript variant (1), intron variant (1).
Genome position (GRCh38, 1-based): chr13:32,332,721, C>G. VCF-style: chr13-32332721-C-G. GRCh37 (hg19) VCF-style: chr13-32906858-C-G.
Other names: c.1243C>G, p.His415Asp (NM_001406719.1, NM_001406720.1, NM_001406721.1); c.424+1691C>G (NM_001406722.1); short protein forms H415D.
Identifiers: ClinVar variation 2451484 (VCV002451484.5), dbSNP rs2137469155, ClinGen allele CA387762243.

ClinVar aggregate classification (germline): Uncertain significance. Review status: criteria provided, multiple submitters, no conflicts (2 of 4 stars). 2 submissions from 2 submitters: Uncertain significance (2). Last evaluated 2022-11-04.

Conditions:
Hereditary breast ovarian cancer syndrome. Also called: Hereditary breast and/or ovarian cancer syndrome; BRCA1- and BRCA2-Associated Hereditary Breast and Ovarian Cancer; Hereditary breast and ovarian cancer syndrome; Hereditary breast and ovarian cancer; Hereditary breast and ovarian cancer syndrome (HBOC); Breast and ovarian cancer. Identifiers: Orphanet 145, MedGen C0677776, MeSH D061325, MONDO:0003582. Disease mechanism: loss of function.
Hereditary cancer-predisposing syndrome. Also called: Neoplastic Syndromes, Hereditary; Tumor predisposition; Hereditary neoplastic syndrome; Hereditary Cancer Syndrome. Identifiers: Orphanet 140162, MedGen C0027672, MeSH D009386, MONDO:0015356.

Submissions (2):

Ambry Genetics
Classification: Uncertain significance for Hereditary cancer-predisposing syndrome. Last evaluated: 2022-11-04. Review status: criteria provided, single submitter. Criteria: Ambry Variant Classification Scheme 2023. Collection method: clinical testing. Allele origin: germline.
Comment: The p.H415D variant (also known as c.1243C>G), located in coding exon 9 of the BRCA2 gene, results from a C to G substitution at nucleotide position 1243. The histidine at codon 415 is replaced by aspartic acid, an amino acid with similar properties. This amino acid position is conserved. In addition, this alteration is predicted to be tolerated by in silico analysis. Since supporting evidence is limited at this time, the clinical significance of this alteration remains unclear.

Labcorp Genetics (formerly Invitae), Labcorp
Classification: Uncertain significance for Hereditary breast ovarian cancer syndrome. Last evaluated: 2022-11-03. Review status: criteria provided, single submitter. Criteria: Invitae Variant Classification Sherloc (09022015). Collection method: clinical testing. Allele origin: germline.
Comment: This variant has not been reported in the literature in individuals affected with BRCA2-related conditions. This variant is not present in population databases (gnomAD no frequency). This sequence change replaces histidine, which is basic and polar, with aspartic acid, which is acidic and polar, at codon 415 of the BRCA2 protein (p.His415Asp). Advanced modeling of protein sequence and biophysical properties (such as structural, functional, and spatial information, amino acid conservation, physicochemical variation, residue mobility, and thermodynamic stability) performed at Invitae indicates that this missense variant is not expected to disrupt BRCA2 protein function. In summary, the available evidence is currently insufficient to determine the role of this variant in disease. Therefore, it has been classified as a Variant of Uncertain Significance.